The following is an entry in ClinVar:

ClinVar aggregate classification (germline): Uncertain significance. Review status: criteria provided, multiple submitters, no conflicts (2 of 4 stars). 2 submissions from 2 submitters: Uncertain significance (2). Last evaluated 2025-09-23.

Conditions:
Tuberous sclerosis 2 (TSC2). Identifiers: Orphanet 805, MedGen C1860707, MONDO:0013199, OMIM 613254.
Hereditary cancer-predisposing syndrome. Also called: Tumor predisposition; Hereditary neoplastic syndrome; Neoplastic Syndromes, Hereditary; Hereditary Cancer Syndrome. Identifiers: Orphanet 140162, MedGen C0027672, MeSH D009386, MONDO:0015356.

Submissions (2):

Ambry Genetics
Classification: Uncertain significance for Hereditary cancer-predisposing syndrome. Last evaluated: 2025-09-23. Review status: criteria provided, single submitter. Criteria: Ambry Variant Classification Scheme 2023. Collection method: clinical testing. Allele origin: germline.
Comment: The p.P1763S variant (also known as c.5287C>T), located in coding exon 41 of the TSC2 gene, results from a C to T substitution at nucleotide position 5287. The proline at codon 1763 is replaced by serine, an amino acid with similar properties. This amino acid position is not well conserved in available vertebrate species. In addition, the in silico prediction for this alteration is inconclusive. Based on the available evidence, the clinical significance of this variant remains unclear.

Labcorp Genetics (formerly Invitae), Labcorp
Classification: Uncertain significance for Tuberous sclerosis 2. Last evaluated: 2025-05-23. Review status: criteria provided, single submitter. Criteria: Invitae Variant Classification Sherloc (09022015). Collection method: clinical testing. Allele origin: germline.
Comment: This sequence change replaces proline, which is neutral and non-polar, with serine, which is neutral and polar, at codon 1763 of the TSC2 protein (p.Pro1763Ser). This variant is not present in population databases (gnomAD no frequency). This variant has not been reported in the literature in individuals affected with TSC2-related conditions. ClinVar contains an entry for this variant (Variation ID: 1382198). Invitae Evidence Modeling of protein sequence and biophysical properties (such as structural, functional, and spatial information, amino acid conservation, physicochemical variation, residue mobility, and thermodynamic stability) indicates that this missense variant is not expected to disrupt TSC2 protein function with a negative predictive value of 95%. In summary, the available evidence is currently insufficient to determine the role of this variant in disease. Therefore, it has been classified as a Variant of Uncertain Significance.

NM_000548.5(TSC2):c.5287C>T (p.Pro1763Ser)

Gene: TSC2 (TSC complex subunit 2; plus strand). Cytogenetic location: 16p13.3.
Variant type: single nucleotide variant.
Coding change: c.5287C>T on transcript NM_000548.5 (MANE Select); coding-DNA position 5287, C replaced by T.
Protein change: p.Pro1763Ser; replaces proline 1763 with serine.
Molecular consequence: missense variant.
Genome position (GRCh38, 1-based): chr16:2,088,473, C>T. VCF-style: chr16-2088473-C-T. GRCh37 (hg19) VCF-style: chr16-2138474-C-T.
Other names: c.5086C>T, p.Pro1696Ser (NM_001077183.3); c.5218C>T, p.Pro1740Ser (NM_001114382.3); c.4978C>T, p.Pro1660Ser (NM_001318827.2); c.4942C>T, p.Pro1648Ser (NM_001318829.2); c.4555C>T, p.Pro1519Ser (NM_001318831.2); c.5119C>T, p.Pro1707Ser (NM_001318832.2); c.5089C>T, p.Pro1697Ser (NM_001363528.2); c.5155C>T, p.Pro1719Ser (NM_001370404.1); and 3 more; short protein forms P1716S, P1740S, P1660S, P1720S, P1519S, P1696S, P1697S, P1719S.
Identifiers: ClinVar variation 1382198 (VCV001382198.6), dbSNP rs2151638570, ClinGen allele CA394315254.